The following is an entry in ClinVar:

NM_001267550.2(TTN):c.102518G>A (p.Gly34173Asp)

Genes: TTN-AS1 (TTN antisense RNA 1; plus strand), TTN (titin; minus strand). Cytogenetic location: 2q31.2.
Variant type: single nucleotide variant.
Coding change: c.102518G>A on transcript NM_001267550.2 (MANE Select); coding-DNA position 102518, G replaced by A.
Protein change: p.Gly34173Asp; replaces glycine 34173 with aspartic acid.
Molecular consequence: missense variant.
Genome position (GRCh38, 1-based): chr2:178,534,097, C>T on the plus strand (G>A on the coding strand, the complement: TTN is on the minus strand). VCF-style: chr2-178534097-C-T. GRCh37 (hg19) VCF-style: chr2-179398824-C-T.
Other names: c.97595G>A, p.Gly32532Asp (NM_001256850.1); c.75323G>A, p.Gly25108Asp (NM_003319.4); c.94814G>A, p.Gly31605Asp (NM_133378.4); c.75698G>A, p.Gly25233Asp (NM_133432.3); c.75899G>A, p.Gly25300Asp (NM_133437.4); short protein forms G25108D, G25300D, G34173D, G25233D, G31605D, G32532D.
Identifiers: ClinVar variation 1493941 (VCV001493941.8), dbSNP rs752184554, ClinGen allele CA1985743.

ClinVar aggregate classification (germline): Uncertain significance (1 of 4 stars; one submission).

Conditions:
Dilated cardiomyopathy 1G (CMD1G). Identifiers: Orphanet 154, MedGen C1858763, MONDO:0011400, OMIM 604145.
Autosomal recessive limb-girdle muscular dystrophy type 2J (LGMDR10). Also called: Limb-girdle muscular dystrophy, type 2J; MUSCULAR DYSTROPHY, LIMB-GIRDLE, AUTOSOMAL RECESSIVE 10. Identifiers: Orphanet 140922, MedGen C1837342, MONDO:0012127, OMIM 608807.

Allele frequency attached by ClinVar (database versions not stated): gnomAD 0.00001; gnomAD exomes 0.00001 and 0.00003; TOPMed 0.00001; ExAC 0.00002.
gnomAD v4.1: 48 of 1,613,798 alleles (0.003%); highest among the groups gnomAD compares: Non-Finnish European, 0.0041%; no homozygotes.

Submission:

Labcorp Genetics (formerly Invitae), Labcorp
Classification: Uncertain significance for Dilated cardiomyopathy 1G; Autosomal recessive limb-girdle muscular dystrophy type 2J. Last evaluated: 2026-01-14. Review status: criteria provided, single submitter. Criteria: Invitae Variant Classification Sherloc (09022015). Collection method: clinical testing. Allele origin: germline.
Comment: This sequence change replaces glycine, which is neutral and non-polar, with aspartic acid, which is acidic and polar, at codon 34173 of the TTN protein (p.Gly34173Asp). This variant is present in population databases (rs752184554, gnomAD 0.003%). This variant has not been reported in the literature in individuals affected with TTN-related conditions. ClinVar contains an entry for this variant (Variation ID: 1493941). Experimental studies and prediction algorithms are not available or were not evaluated, and the functional significance of this variant is currently unknown. This variant is located in the M band of TTN (PMID: 25589632). Non-truncating variants in this region may be relevant for neuromuscular disorders, but have not been definitively shown to cause cardiomyopathy (PMID: 23975875). In summary, the available evidence is currently insufficient to determine the role of this variant in disease. Therefore, it has been classified as a Variant of Uncertain Significance.

Literature cited by the submitters: PubMed 25589632; PubMed 23975875.